The following is an entry in ClinVar:

NM_001292034.3(TAB2):c.1386del (p.Lys461_Tyr462insTer)

Genes: TAB2 (TGF-beta activated kinase 1 (MAP3K7) binding protein 2; plus strand), LOC126859827 (BRD4-independent group 4 enhancer GRCh37_chr6:149699707-149700906; plus strand). Cytogenetic location: 6q25.1.
Variant type: Deletion.
Coding change: c.1386del on transcript NM_001292034.3 (MANE Select); coding-DNA position 1386, one base deleted (C; older notation c.1386delC).
Protein change: p.Lys461_Tyr462insTer.
Molecular consequence: nonsense.
Genome position (GRCh38, 1-based): chr6:149,379,301, C deleted. VCF-style (leftmost placement, unchanged base first): chr6-149379300-AC-A. GRCh37 (hg19) VCF-style: chr6-149700436-AC-A.
Other names: c.1386delC (NM_015093.4); c.1290del, p.Lys429_Tyr430insTer (NM_001292035.3); c.1386del, p.Lys461_Tyr462insTer (NM_001369506.1, NM_015093.6).
Identifiers: ClinVar variation 280439 (VCV000280439.3), dbSNP rs886041646, ClinGen allele CA10602931.

ClinVar aggregate classification (germline): Pathogenic (1 of 4 stars; one submission).

Submission:

GeneDx
Classification: Pathogenic. Last evaluated: 2019-11-01. Review status: criteria provided, single submitter. Criteria: GeneDx Variant Classification Process June 2021. Collection method: clinical testing. Allele origin: germline. Affected: yes.
Comment: Nonsense variant predicted to result in protein truncation or nonsense mediated decay in a gene for which loss-of-function is a known mechanism of disease; Not observed in large population cohorts (Lek et al., 2016); Has not been previously published as pathogenic or benign to our knowledge